The following is an entry in ClinVar:

ClinVar aggregate classification (germline): Likely benign (1 of 4 stars; one submission).

gnomAD v4.1: 4 of 1,613,658 alleles (0.00025%); highest among the groups gnomAD compares: Admixed American, 0.0067%; no homozygotes.

Submission:

CeGaT Center for Human Genetics Tuebingen
Classification: Likely benign. Last evaluated: 2026-09-01. Review status: criteria provided, single submitter. Criteria: CeGaT Center For Human Genetics Tuebingen Variant Classification Criteria Version 2. Collection method: clinical testing. Allele origin: germline. Affected: yes. Observed: 1 variant allele.
Comment: TET3: BP4, BP7

NM_001287491.2(TET3):c.2637G>A (p.Gly879=)

Gene: TET3 (tet methylcytosine dioxygenase 3; plus strand). Cytogenetic location: 2p13.1.
Variant type: single nucleotide variant.
Coding change: c.2637G>A on transcript NM_001287491.2 (MANE Select); coding-DNA position 2637, G replaced by A.
Protein change: p.Gly879=; no amino-acid change (glycine 879 retained).
Molecular consequence: synonymous variant.
Genome position (GRCh38, 1-based): chr2:74,080,549, G>A. VCF-style: chr2-74080549-G-A. GRCh37 (hg19) VCF-style: chr2-74307676-G-A.
Other names: c.2358G>A, p.Gly786= (NM_001366022.1).
Identifiers: ClinVar variation 5041621 (VCV005041621.1).